The following is an entry in ClinVar:

ClinVar aggregate classification (germline): Likely pathogenic (1 of 4 stars; one submission).

Conditions:
Glycogen phosphorylase kinase deficiency. Also called: Phosphorylase Kinase Deficiency; Glycogen Storage Disease Type IX. Identifiers: Orphanet 370, MedGen C0268147, MONDO:0700291.

Submission:

Women's Health and Genetics/Laboratory Corporation of America, LabCorp
Classification: Likely pathogenic for Glycogen phosphorylase kinase deficiency. Last evaluated: 2022-11-08. Review status: criteria provided, single submitter. Criteria: LabCorp Variant Classification Summary - May 2015. Collection method: clinical testing. Allele origin: germline.
Comment: Variant summary: PHKB c.76+1G>C is located in a canonical splice-site and is predicted to affect mRNA splicing resulting in a significantly altered protein due to either exon skipping, shortening, or inclusion of intronic material. Several computational tools predict a significant impact on normal splicing: three predict the variant abolishes a 5' splicing donor site. However, these predictions have yet to be confirmed by functional studies. The variant was absent in 243558 control chromosomes. To our knowledge, no occurrence of c.76+1G>C in individuals affected with Glycogen Phosphorylase Kinase Deficiency and no experimental evidence demonstrating its impact on protein function have been reported. No clinical diagnostic laboratories have submitted clinical-significance assessments for this variant to ClinVar after 2014. Based on the evidence outlined above, the variant was classified as likely pathogenic.

NM_000293.3(PHKB):c.76+1G>C

Genes: PHKB (phosphorylase kinase regulatory subunit beta; plus strand), LOC130058947 (ATAC-STARR-seq lymphoblastoid silent region 7451; plus strand). Cytogenetic location: 16q12.1.
Variant type: single nucleotide variant.
Coding change: c.76+1G>C on transcript NM_000293.3 (MANE Select); the canonical splice donor site of the intron after coding-DNA position 76, G replaced by C.
Molecular consequence: splice donor variant.
Genome position (GRCh38, 1-based): chr16:47,461,427, G>C. VCF-style: chr16-47461427-G-C. GRCh37 (hg19) VCF-style: chr16-47495338-G-C.
Other names: c.76+1G>C (NM_001363837.1); c.-58+1G>C (NM_001031835.3).
Identifiers: ClinVar variation 1804673 (VCV001804673.1), dbSNP rs1969551435, ClinGen allele CA396102613.
Genomic context (GRCh38, chr16:47,461,427, plus strand): 5'-GACTCACGGCAGAAGTGAGCTGGAAGGTCTTGGAGCGAAGAGCTCGGACCAAGCGCTCAG[G>C]TTTGGCTGGCTGGGGCGCCGCCCCCCACCCGAGTACCTTGGGTGGTGCTTCGCCTCAAGC-3'